The following is an entry in ClinVar:

NM_017780.4(CHD7):c.67G>A (p.Gly23Ser)

Gene: CHD7 (chromodomain helicase DNA binding protein 7; plus strand). Cytogenetic location: 8q12.2.
Variant type: single nucleotide variant.
Coding change: c.67G>A on transcript NM_017780.4 (MANE Select); coding-DNA position 67, G replaced by A.
Protein change: p.Gly23Ser; replaces glycine 23 with serine.
Molecular consequence: missense variant.
Genome position (GRCh38, 1-based): chr8:60,741,499, G>A. VCF-style: chr8-60741499-G-A. GRCh37 (hg19) VCF-style: chr8-61654058-G-A.
Other names: c.67G>A, p.Gly23Ser (NM_001316690.1); short protein forms G23S.
Identifiers: ClinVar variation 854993 (VCV000854993.10), dbSNP rs763058890, ClinGen allele CA4759257.

ClinVar aggregate classification (germline): Conflicting classifications of pathogenicity. Review status: criteria provided, conflicting classifications (1 of 4 stars). 2 submissions from 2 submitters: Uncertain significance (1); Likely benign (1). Last evaluated 2026-01-06.

Conditions:
CHD7-related disorder. Also called: CHD7-related condition.
CHARGE syndrome (CHARGE). Also called: CHARGE ASSOCIATION--COLOBOMA, HEART ANOMALY, CHOANAL ATRESIA, RETARDATION, GENITAL AND EAR ANOMALIES; Coloboma, heart anomaly, choanal atresia, retardation, genital and ear anomalies; CHARGE association; Hall-Hittner syndrome; Hittner Hirsch Kreh syndrome. Identifiers: Orphanet 138, MedGen C0265354, MONDO:0008965.

Allele frequency attached by ClinVar (database versions not stated): ExAC 0.00002; gnomAD exomes 0.00002 and 0.00004; TOPMed 0.00002; gnomAD 0.00003.
gnomAD v4.1: 68 of 1,612,682 alleles (0.0042%); highest among the groups gnomAD compares: Non-Finnish European, 0.0056%; no homozygotes.

Submissions (2):

Labcorp Genetics (formerly Invitae), Labcorp
Classification: Likely benign for CHARGE syndrome. Last evaluated: 2026-01-06. Review status: criteria provided, single submitter. Criteria: Invitae Variant Classification Sherloc (09022015). Collection method: clinical testing. Allele origin: germline.

PreventionGenetics, part of Exact Sciences
Classification: Uncertain significance for CHD7-related condition. Last evaluated: 2025-04-01. Review status: criteria provided, single submitter. Criteria: ACMG Guidelines, 2015. Collection method: clinical testing. Allele origin: germline.
Comment: The CHD7 c.67G>A variant is predicted to result in the amino acid substitution p.Gly23Ser. To our knowledge, this variant has not been reported in the literature in individuals with CHD7-related disorders. This variant is reported in 0.0036% of alleles in individuals of European (Non-Finnish) descent in gnomAD. Although we suspect that this variant may be benign, at this time, the clinical significance of this variant is uncertain due to the absence of conclusive functional and genetic evidence.